The following is an entry in ClinVar:

NM_001035.3(RYR2):c.2614-304T>C

Gene: RYR2 (ryanodine receptor 2; plus strand). Cytogenetic location: 1q43.
Variant type: single nucleotide variant.
Coding change: c.2614-304T>C on transcript NM_001035.3 (MANE Select); 304 bases into the intron before coding-DNA position 2614, T replaced by C.
Molecular consequence: intron variant.
Genome position (GRCh38, 1-based): chr1:237,506,406, T>C. VCF-style: chr1-237506406-T-C. GRCh37 (hg19) VCF-style: chr1-237669706-T-C.
Identifiers: ClinVar variation 673372 (VCV000673372.1), dbSNP rs185010100, ClinGen allele CA39781981.
Genomic context (GRCh38, chr1:237,506,406, plus strand): 5'-GCTAACACGGTGAAACCCCGTCTCTACTAAAAATACAAAAAAATTAGCCGGGCGTAGTGG[T>C]GGGCACCTGCATTCCCAGCTACTCGGGAGGCTGAGGCAGGAGAATGGTGTGAACCCGAGA-3'

ClinVar aggregate classification (germline): Likely benign (1 of 4 stars; one submission).

Allele frequency attached by ClinVar (database versions not stated): gnomAD 0.01321 and 0.01335; TOPMed 0.01405; 1000 Genomes Project 0.01558; 1000 Genomes Project 30x 0.01733.
gnomAD v4.1: 2,002 of 152,088 alleles (1.3%); highest among the groups gnomAD compares: African/African-American, 3.3%; 34 homozygotes.

Submission:

GeneDx
Classification: Likely benign. Last evaluated: 2018-06-16. Review status: criteria provided, single submitter. Criteria: GeneDx Variant Classification (06012015). Collection method: clinical testing. Allele origin: germline. Affected: yes.
Comment: This variant is considered likely benign or benign based on one or more of the following criteria: it is a conservative change, it occurs at a poorly conserved position in the protein, it is predicted to be benign by multiple in silico algorithms, and/or has population frequency not consistent with disease.